The following is an entry in ClinVar:

ClinVar aggregate classification (germline): Benign. Review status: criteria provided, multiple submitters, no conflicts (2 of 4 stars). 10 submissions from 10 submitters: Benign (10). Last evaluated 2026-06-29.

Conditions:
Sessile serrated polyposis cancer syndrome (SSPCS). Identifiers: Orphanet 157798, MedGen C4310714, MONDO:0014919, OMIM 617108.
Hereditary cancer-predisposing syndrome. Also called: Neoplastic Syndromes, Hereditary; Tumor predisposition; Hereditary Cancer Syndrome; Hereditary neoplastic syndrome. Identifiers: Orphanet 140162, MedGen C0027672, MeSH D009386, MONDO:0015356.

Allele frequency attached by ClinVar (database versions not stated): gnomAD exomes 0.41242 and 0.39041; ESP Exome Variant Server 0.32831; gnomAD 0.34051 and 0.34578; TOPMed 0.35386; 1000 Genomes Project 30x 0.36899; 1000 Genomes Project 0.37380; ExAC 0.40480.
gnomAD v4.1: 623,017 of 1,613,924 alleles (39%); highest among the groups gnomAD compares: Admixed American, 53%; 123,253 homozygotes.

Submissions (10):

Myriad Genetics, Inc.
Classification: Benign for Sessile serrated polyposis cancer syndrome. Last evaluated: 2026-06-29. Review status: criteria provided, single submitter. Criteria: Myriad Autosomal Dominant, Autosomal Recessive and X-Linked Classification Criteria (2023). Collection method: clinical testing. Allele origin: unknown.
Comment: This variant is considered benign. This variant has been observed at a population frequency that is significantly greater than expected given the associated disease prevalence and penetrance.

Labcorp Genetics (formerly Invitae), Labcorp
Classification: Benign. Last evaluated: 2026-02-04. Review status: criteria provided, single submitter. Criteria: Invitae Variant Classification Sherloc (09022015). Collection method: clinical testing. Allele origin: germline.

GeneKor MSA
Classification: Benign for Hereditary cancer-predisposing syndrome. Last evaluated: 2025-07-10. Review status: criteria provided, single submitter. Criteria: ACMG Guidelines, 2015. Collection method: clinical testing. Allele origin: germline.

Blueprint Genetics
Classification: Benign. Last evaluated: 2024-11-28. Review status: criteria provided, single submitter. Criteria: ACMG Guidelines, 2015. Collection method: clinical testing. Allele origin: germline.

Ambry Genetics
Classification: Benign. Last evaluated: 2024-10-18. Review status: criteria provided, single submitter. Criteria: Ambry Variant Classification Scheme 2023. Collection method: clinical testing. Allele origin: germline.

Institute for Biomarker Research, Medical Diagnostic Laboratories, L.L.C.
Classification: Benign for Hereditary cancer-predisposing syndrome. Last evaluated: 2023-09-12. Review status: criteria provided, single submitter. Criteria: ACMG Guidelines, 2015. Collection method: clinical testing. Allele origin: germline.

Mayo Clinic Laboratories, Mayo Clinic
Classification: Benign. Last evaluated: 2022-04-08. Review status: criteria provided, single submitter. Criteria: ACMG Guidelines, 2015. Collection method: clinical testing. Allele origin: germline. Observed: 339 variant alleles.

GeneDx
Classification: Benign. Last evaluated: 2019-06-14. Review status: criteria provided, single submitter. Criteria: GeneDx Variant Classification Process June 2021. Collection method: clinical testing. Allele origin: germline. Affected: yes.

Laboratory for Molecular Medicine, Mass General Brigham Personalized Medicine
Classification: Benign. Last evaluated: 2016-03-29. Review status: criteria provided, single submitter. Criteria: LMM Criteria. Collection method: clinical testing. Allele origin: germline.
Comment: Variant identified in a genome or exome case(s) and assessed due to predicted null impact of the variant or pathogenic assertions in the literature or databases. Disclaimer: This variant has not undergone full assessment. The following are preliminary notes: Frequency

Breakthrough Genomics
Classification: Benign. Review status: criteria provided, single submitter. Criteria: ACMG Guidelines, 2015. Collection method: not provided. Allele origin: germline. Inheritance: Autosomal dominant inheritance. Affected: yes.

NM_017763.6(RNF43):c.139A>G (p.Ile47Val)

Gene: RNF43 (ring finger protein 43; minus strand). Cytogenetic location: 17q22.
Variant type: single nucleotide variant.
Coding change: c.139A>G on transcript NM_017763.6 (MANE Select); coding-DNA position 139, A replaced by G.
Protein change: p.Ile47Val; replaces isoleucine 47 with valine.
Molecular consequence: missense variant.
Genome position (GRCh38, 1-based): chr17:58,415,439, T>C on the plus strand (A>G on the coding strand, the complement: RNF43 is on the minus strand). VCF-style: chr17-58415439-T-C. GRCh37 (hg19) VCF-style: chr17-56492800-T-C.
Other names: c.139A>G, p.Ile47Val (NM_001305544.3); short protein forms I47V.
Identifiers: ClinVar variation 403385 (VCV000403385.23), dbSNP rs3744093, ClinGen allele CA8673506.